The following is an entry in ClinVar:

ClinVar aggregate classification (germline): Uncertain significance (1 of 4 stars; one submission).

Allele frequency attached by ClinVar (database versions not stated): gnomAD exomes below 0.00001; TOPMed below 0.00001; ExAC 0.00001.
gnomAD v4.1: 2 of 1,613,930 alleles (0.00012%); highest among the groups gnomAD compares: Non-Finnish European, 0.000085%; no homozygotes.

Submission:

Labcorp Genetics (formerly Invitae), Labcorp
Classification: Uncertain significance. Last evaluated: 2022-08-05. Review status: criteria provided, single submitter. Criteria: Invitae Variant Classification Sherloc (09022015). Collection method: clinical testing. Allele origin: germline.
Comment: In summary, the available evidence is currently insufficient to determine the role of this variant in disease. Therefore, it has been classified as a Variant of Uncertain Significance. Algorithms developed to predict the effect of missense changes on protein structure and function are either unavailable or do not agree on the potential impact of this missense change (SIFT: "Deleterious"; PolyPhen-2: "Benign"; Align-GVGD: "Class C0"). This variant has not been reported in the literature in individuals affected with TNFRSF11B-related conditions. This variant is present in population databases (rs34353469, gnomAD 0.0009%). This sequence change replaces phenylalanine, which is neutral and non-polar, with valine, which is neutral and non-polar, at codon 371 of the TNFRSF11B protein (p.Phe371Val).

NM_002546.4(TNFRSF11B):c.1111T>G (p.Phe371Val)

Gene: TNFRSF11B (TNF receptor superfamily member 11b; minus strand). Cytogenetic location: 8q24.12.
Variant type: single nucleotide variant.
Coding change: c.1111T>G on transcript NM_002546.4 (MANE Select); coding-DNA position 1111, T replaced by G.
Protein change: p.Phe371Val; replaces phenylalanine 371 with valine.
Molecular consequence: missense variant.
Genome position (GRCh38, 1-based): chr8:118,924,469, A>C on the plus strand (T>G on the coding strand, the complement: TNFRSF11B is on the minus strand). VCF-style: chr8-118924469-A-C. GRCh37 (hg19) VCF-style: chr8-119936708-A-C.
Other names: short protein forms F371V.
Identifiers: ClinVar variation 2142243 (VCV002142243.4), dbSNP rs34353469, ClinGen allele CA4854765.